The following is an entry in ClinVar:

NM_000057.4(BLM):c.752A>G (p.Asp251Gly)

Gene: BLM (BLM RecQ like helicase; plus strand). Cytogenetic location: 15q26.1.
Variant type: single nucleotide variant.
Coding change: c.752A>G on transcript NM_000057.4 (MANE Select); coding-DNA position 752, A replaced by G.
Protein change: p.Asp251Gly; replaces aspartic acid 251 with glycine.
Molecular consequence: missense variant. On other transcripts: 5 prime UTR variant (1).
Genome position (GRCh38, 1-based): chr15:90,750,020, A>G. VCF-style: chr15-90750020-A-G. GRCh37 (hg19) VCF-style: chr15-91293250-A-G.
Other names: c.752A>G, p.Asp251Gly (NM_001287246.2, NM_001287247.2); c.-540A>G (NM_001287248.2); short protein forms D251G.
Identifiers: ClinVar variation 1035350 (VCV001035350.9), dbSNP rs1555418456, ClinGen allele CA393841483.

ClinVar aggregate classification (germline): Uncertain significance (1 of 4 stars; one submission).

Conditions:
Bloom syndrome (BLM). Also called: Bloom-Torre-Machacek syndrome. Identifiers: Orphanet 125, MedGen C0005859, MONDO:0008876, OMIM 210900.

Submission:

Labcorp Genetics (formerly Invitae), Labcorp
Classification: Uncertain significance for Bloom syndrome. Last evaluated: 2018-04-28. Review status: criteria provided, single submitter. Criteria: Invitae Variant Classification Sherloc (09022015). Collection method: clinical testing. Allele origin: germline.
Comment: This sequence change replaces aspartic acid with glycine at codon 251 of the BLM protein (p.Asp251Gly). The aspartic acid residue is weakly conserved and there is a moderate physicochemical difference between aspartic acid and glycine. This variant is not present in population databases (ExAC no frequency). This variant has not been reported in the literature in individuals with BLM-related disease. Algorithms developed to predict the effect of missense changes on protein structure and function output the following: SIFT: "Tolerated"; PolyPhen-2: "Benign"; Align-GVGD: "Class C0". The glycine amino acid residue is found in multiple mammalian species, suggesting that this missense change does not adversely affect protein function. These predictions have not been confirmed by published functional studies and their clinical significance is uncertain. Algorithms developed to predict the effect of sequence changes on RNA splicing suggest that this variant may create or strengthen a splice site, but this prediction has not been confirmed by published transcriptional studies. In summary, the available evidence is currently insufficient to determine the role of this variant in disease. Therefore, it has been classified as a Variant of Uncertain Significance.